The following is an entry in ClinVar:

ClinVar aggregate classification (germline): Uncertain significance. Review status: criteria provided, multiple submitters, no conflicts (2 of 4 stars). 2 submissions from 2 submitters: Uncertain significance (2). Last evaluated 2022-08-02.

Conditions:
Charcot-Marie-Tooth disease axonal type 2C (HMSN2C). Also called: Charcot-Marie-Tooth Disease Type 2, TRPV4-Related (CMT2C); CHARCOT-MARIE-TOOTH DISEASE, AXONAL, AUTOSOMAL DOMINANT, TYPE 2C; Charcot-Marie-Tooth Neuropathy Type 2C. Identifiers: Orphanet 99937, MedGen C1853710, MONDO:0011633, OMIM 606071.

Allele frequency attached by ClinVar (database versions not stated): TOPMed below 0.00001.

Submissions (2):

GeneDx
Classification: Uncertain significance. Last evaluated: 2022-08-02. Review status: criteria provided, single submitter. Criteria: GeneDx Variant Classification Process June 2021. Collection method: clinical testing. Allele origin: germline. Affected: yes.
Comment: Not observed at significant frequency in large population cohorts (gnomAD); In silico analysis supports that this missense variant does not alter protein structure/function; Has not been previously published as pathogenic or benign to our knowledge

Labcorp Genetics (formerly Invitae), Labcorp
Classification: Uncertain significance for Charcot-Marie-Tooth disease axonal type 2C. Last evaluated: 2018-06-08. Review status: criteria provided, single submitter. Criteria: Invitae Variant Classification Sherloc (09022015). Collection method: clinical testing. Allele origin: germline.
Comment: This sequence change replaces valine with alanine at codon 830 of the TRPV4 protein (p.Val830Ala). The valine residue is moderately conserved and there is a small physicochemical difference between valine and alanine. This variant is not present in population databases (ExAC no frequency). This variant has not been reported in the literature in individuals with TRPV4-related disease. Algorithms developed to predict the effect of missense changes on protein structure and function (SIFT, PolyPhen-2, Align-GVGD) all suggest that this variant is likely to be tolerated, but these predictions have not been confirmed by published functional studies and their clinical significance is uncertain. In summary, the available evidence is currently insufficient to determine the role of this variant in disease. Therefore, it has been classified as a Variant of Uncertain Significance.

NM_021625.5(TRPV4):c.2489T>C (p.Val830Ala)

Gene: TRPV4 (transient receptor potential cation channel subfamily V member 4; minus strand). Cytogenetic location: 12q24.11.
Variant type: single nucleotide variant.
Coding change: c.2489T>C on transcript NM_021625.5 (MANE Select); coding-DNA position 2489, T replaced by C.
Protein change: p.Val830Ala; replaces valine 830 with alanine.
Molecular consequence: missense variant.
Genome position (GRCh38, 1-based): chr12:109,783,748, A>G on the plus strand (T>C on the coding strand, the complement: TRPV4 is on the minus strand). VCF-style: chr12-109783748-A-G. GRCh37 (hg19) VCF-style: chr12-110221553-A-G.
Other names: c.2168T>C, p.Val723Ala (NM_001177433.2); c.2309T>C, p.Val770Ala (NM_147204.3); c.2348T>C, p.Val783Ala (NM_001177428.2); c.2387T>C, p.Val796Ala (NM_001177431.2); short protein forms V830A, V723A, V783A, V770A, V796A.
Identifiers: ClinVar variation 580282 (VCV000580282.11), dbSNP rs1565856891, ClinGen allele CA386648608.